The following is an entry in ClinVar:

ClinVar aggregate classification (germline): Uncertain significance (1 of 4 stars; one submission).

Allele frequency attached by ClinVar (database versions not stated): ExAC 0.00001; gnomAD exomes 0.00001; TOPMed 0.00001; gnomAD 0.00003.
gnomAD v4.1: 22 of 1,613,960 alleles (0.0014%); highest among the groups gnomAD compares: South Asian, 0.0055%; no homozygotes.

Submission:

Labcorp Genetics (formerly Invitae), Labcorp
Classification: Uncertain significance. Last evaluated: 2021-08-02. Review status: criteria provided, single submitter. Criteria: Invitae Variant Classification Sherloc (09022015). Collection method: clinical testing. Allele origin: germline.
Comment: This sequence change replaces arginine with tryptophan at codon 319 of the GLE1 protein (p.Arg319Trp). The arginine residue is moderately conserved and there is a moderate physicochemical difference between arginine and tryptophan. This variant is present in population databases (rs775936554, ExAC 0.009%). This variant has not been reported in the literature in individuals with GLE1-related conditions. Algorithms developed to predict the effect of missense changes on protein structure and function (SIFT, PolyPhen-2, Align-GVGD) all suggest that this variant is likely to be disruptive, but these predictions have not been confirmed by published functional studies and their clinical significance is uncertain. In summary, the available evidence is currently insufficient to determine the role of this variant in disease. Therefore, it has been classified as a Variant of Uncertain Significance.

NM_001003722.2(GLE1):c.955C>T (p.Arg319Trp)

Gene: GLE1 (GLE1 RNA export mediator; plus strand). Cytogenetic location: 9q34.11.
Variant type: single nucleotide variant.
Coding change: c.955C>T on transcript NM_001003722.2 (MANE Select); coding-DNA position 955, C replaced by T.
Protein change: p.Arg319Trp; replaces arginine 319 with tryptophan.
Molecular consequence: missense variant.
Genome position (GRCh38, 1-based): chr9:128,525,249, C>T. VCF-style: chr9-128525249-C-T. GRCh37 (hg19) VCF-style: chr9-131287528-C-T.
Other names: c.955C>T, p.Arg319Trp (NM_001411013.1, NM_001499.2); short protein forms R319W.
Identifiers: ClinVar variation 1982639 (VCV001982639.1), dbSNP rs775936554, ClinGen allele CA5263748.
Genomic context (GRCh38, chr9:128,525,249, plus strand): 5'-CAGAGCAGCTATCCCACAGCAGAGAGTCAAGCTGAGGCTGAGCGAGCTCTGCGGGAAATG[C>T]GGGACCTCCTGATGAACTTGGGGCAGGAGATCACCAGAGCCTGCGAAGACAAGAGGAGGC-3'
Protein context (NP_001003722.1, residues 309-329): AEAERALREM[Arg319Trp]DLLMNLGQEI